The following is an entry in ClinVar:

NC_000020.10:g.(?_42743436)_(42815345_?)dup

Gene: JPH2 (junctophilin 2; minus strand). Cytogenetic location: 20q13.12.
Variant type: Duplication.
Identifiers: ClinVar variation 2426550 (VCV002426550.4).

ClinVar aggregate classification (germline): Uncertain significance (1 of 4 stars; one submission).

Conditions:
Hypertrophic cardiomyopathy. Also called: HYPERTROPHIC MYOCARDIOPATHY. Identifiers: Orphanet 217569, MedGen C0007194, MeSH D002312, MONDO:0005045, HP:0001639.

Submission:

Labcorp Genetics (formerly Invitae), Labcorp
Classification: Uncertain significance for Hypertrophic cardiomyopathy. Last evaluated: 2022-08-25. Review status: criteria provided, single submitter. Criteria: Invitae Variant Classification Sherloc (09022015). Collection method: clinical testing. Allele origin: germline.
Comment: Experimental studies and prediction algorithms are not available or were not evaluated, and the functional significance of this variant is currently unknown. In summary, the available evidence is currently insufficient to determine the role of this variant in disease. Therefore, it has been classified as a Variant of Uncertain Significance. This variant has not been reported in the literature in individuals affected with JPH2-related conditions. A copy number gain of the genomic region encompassing the full coding sequence of the JPH2 gene has been identified. The boundaries of this event are unknown as they extend beyond the assayed region for this gene and therefore may encompass additional genes. As the precise location of this event is unknown, it may be in tandem or it may be located elsewhere in the genome.